The following is an entry in ClinVar:

ClinVar aggregate classification (germline): Uncertain significance (1 of 4 stars; one submission).

gnomAD v4.1: 14 of 1,613,138 alleles (0.00087%); highest among the groups gnomAD compares: African/African-American, 0.0027%; no homozygotes.

Submission:

Ambry Genetics
Classification: Uncertain significance. Last evaluated: 2026-07-21. Review status: criteria provided, single submitter. Criteria: Ambry Variant Classification Scheme 2023. Collection method: clinical testing. Allele origin: germline.
Comment: The p.S1135F variant (also known as c.3404C>T), located in coding exon 21 of the PKP4 gene, results from a C to T substitution at nucleotide position 3404. The serine at codon 1135 is replaced by phenylalanine, an amino acid with highly dissimilar properties. This amino acid position is conserved. In addition, the in silico prediction for this alteration is inconclusive. Based on the available evidence, the clinical significance of this variant remains unclear.

NM_003628.6(PKP4):c.3404C>T (p.Ser1135Phe)

Genes: PKP4 (plakophilin 4; plus strand), PKP4-AS1 (PKP4 antisense RNA 1; minus strand). Cytogenetic location: 2q24.1.
Variant type: single nucleotide variant.
Coding change: c.3404C>T on transcript NM_003628.6 (MANE Select); coding-DNA position 3404, C replaced by T.
Protein change: p.Ser1135Phe; replaces serine 1135 with phenylalanine.
Molecular consequence: missense variant.
Genome position (GRCh38, 1-based): chr2:158,680,502, C>T. VCF-style: chr2-158680502-C-T. GRCh37 (hg19) VCF-style: chr2-159537014-C-T.
Other names: c.3398C>T, p.Ser1133Phe (NM_001377223.1, NM_001377222.1); c.3395C>T, p.Ser1132Phe (NM_001377224.1); c.3275C>T, p.Ser1092Phe (NM_001377225.1, NM_001005476.4); c.3272C>T, p.Ser1091Phe (NM_001377226.1); c.3401C>T, p.Ser1134Phe (NM_001304969.3, NM_001377219.1, NM_001377220.1 and 1 more transcripts); c.2375C>T, p.Ser792Phe (NM_001304970.3); c.3404C>T, p.Ser1135Phe (NM_001377218.1); short protein forms S1135F, S1092F, S1133F, S1134F, S1091F, S1132F, S792F.
Identifiers: ClinVar variation 3419641 (VCV003419641.2).